The following is an entry in ClinVar:

NM_001377.3(DYNC2H1):c.8744del (p.Asn2915fs)

Gene: DYNC2H1 (dynein cytoplasmic 2 heavy chain 1; plus strand). Cytogenetic location: 11q22.3.
Variant type: Deletion.
Coding change: c.8744del on transcript NM_001377.3 (MANE Select); coding-DNA position 8744, one base deleted (A; older notation c.8744delA).
Protein change: p.Asn2915fs; shifts the reading frame from asparagine 2915.
Molecular consequence: frameshift variant.
Genome position (GRCh38, 1-based): chr11:103,215,770, A deleted; the last of 2 consecutive A bases (chr11:103,215,769-103,215,770); deleting either gives the same sequence. VCF-style (leftmost placement, unchanged base first): chr11-103215768-GA-G. GRCh37 (hg19) VCF-style: chr11-103086497-GA-G.
Other names: c.8744del, p.Asn2915fs (NM_001080463.2); short protein forms N2915fs.
Identifiers: ClinVar variation 5015038 (VCV005015038.1).

ClinVar aggregate classification (germline): Pathogenic (1 of 4 stars; one submission).

Conditions:
Asphyxiating thoracic dystrophy 3. Also called: SHORT-RIB THORACIC DYSPLASIA 3 WITH OR WITHOUT POLYDACTYLY; POLYDACTYLY WITH NEONATAL CHONDRODYSTROPHY, TYPE I; SHORT-RIB THORACIC DYSPLASIA 3/6 WITH POLYDACTYLY, DIGENIC; Short rib polydactyly syndrome 2B; Saldino-Noonan Syndrome. Identifiers: Orphanet 474, Orphanet 93269, Orphanet 93270, Orphanet 93271, MedGen C0036069, MONDO:0013127, OMIM 613091.

Submission:

Myriad Genetics, Inc.
Classification: Pathogenic for Asphyxiating thoracic dystrophy 3. Last evaluated: 2025-09-30. Review status: criteria provided, single submitter. Criteria: Myriad Autosomal Dominant, Autosomal Recessive and X-Linked Classification Criteria (2023). Collection method: clinical testing. Allele origin: unknown.
Comment: NM_001377.2(DYNC2H1):c.8744delA(N2915Tfs*24) is expected to be pathogenic in the context of DYNC2H1-related disorders. This variant is predicted to lead to an abnormal or absent protein product due to the creation of a premature termination codon in DYNC2H1, a gene where loss-of-function variants are known to be pathogenic. Please note: this variant was assessed in the context of healthy population screening.